The following is an entry in ClinVar:

ClinVar aggregate classification (germline): Benign (0 of 4 stars; one submission).

Conditions:
KIAA0825-related disorder. Also called: KIAA0825-related condition.

Allele frequency attached by ClinVar (database versions not stated): 1000 Genomes Project 0.00919; 1000 Genomes Project 30x 0.00921; TOPMed 0.01336; gnomAD 0.01414; ESP Exome Variant Server 0.01686; gnomAD exomes 0.01811; ExAC 0.02078.
gnomAD v4.1: 27,465 of 1,547,060 alleles (1.8%); highest among the groups gnomAD compares: Middle Eastern, 3.1%; 331 homozygotes.

Submissions (13):

PreventionGenetics, part of Exact Sciences
Classification: Benign for KIAA0825-related condition. Last evaluated: 2019-11-20. Review status: no assertion criteria provided. Collection method: clinical testing. Allele origin: germline.
Comment: This variant is classified as benign based on ACMG/AMP sequence variant interpretation guidelines (Richards et al. 2015 PMID: 25741868, with internal and published modifications).

Dr. Peter K. Rogan Lab, Western University
No classification provided (evidence only). Condition: Clear cell carcinoma of kidney. Review status: no classification provided. Collection method: in vitro. Allele origin: not applicable. Functional consequence: retained intron. Not counted in ClinVar's aggregate classification.

Dr. Peter K. Rogan Lab, Western University
No classification provided (evidence only). Condition: Acute myeloid leukemia. Review status: no classification provided. Collection method: in vitro. Allele origin: not applicable. Functional consequence: retained intron. Not counted in ClinVar's aggregate classification.

Dr. Peter K. Rogan Lab, Western University
No classification provided (evidence only). Condition: Acute myeloid leukemia. Review status: no classification provided. Collection method: in vitro. Allele origin: not applicable. Functional consequence: retained intron. Not counted in ClinVar's aggregate classification.

Dr. Peter K. Rogan Lab, Western University
No classification provided (evidence only). Condition: Uterine corpus endometrial carcinoma. Review status: no classification provided. Collection method: in vitro. Allele origin: not applicable. Functional consequence: retained intron. Not counted in ClinVar's aggregate classification.

Dr. Peter K. Rogan Lab, Western University
No classification provided (evidence only). Condition: Thymoma. Review status: no classification provided. Collection method: in vitro. Allele origin: not applicable. Functional consequence: retained intron. Not counted in ClinVar's aggregate classification.

Dr. Peter K. Rogan Lab, Western University
No classification provided (evidence only). Condition: Malignant tumor of esophagus. Review status: no classification provided. Collection method: in vitro. Allele origin: not applicable. Functional consequence: retained intron. Not counted in ClinVar's aggregate classification.

Dr. Peter K. Rogan Lab, Western University
No classification provided (evidence only). Condition: Malignant tumor of esophagus. Review status: no classification provided. Collection method: in vitro. Allele origin: not applicable. Functional consequence: retained intron. Not counted in ClinVar's aggregate classification.

Dr. Peter K. Rogan Lab, Western University
No classification provided (evidence only). Condition: Chronic lymphocytic leukemia/small lymphocytic lymphoma. Review status: no classification provided. Collection method: in vitro. Allele origin: not applicable. Functional consequence: retained intron. Not counted in ClinVar's aggregate classification.

Dr. Peter K. Rogan Lab, Western University
No classification provided (evidence only). Condition: Nonpapillary renal cell carcinoma. Review status: no classification provided. Collection method: in vitro. Allele origin: not applicable. Functional consequence: retained intron. Not counted in ClinVar's aggregate classification.

Dr. Peter K. Rogan Lab, Western University
No classification provided (evidence only). Condition: Nonpapillary renal cell carcinoma. Review status: no classification provided. Collection method: in vitro. Allele origin: not applicable. Functional consequence: retained intron. Not counted in ClinVar's aggregate classification.

Dr. Peter K. Rogan Lab, Western University
No classification provided (evidence only). Condition: Nonpapillary renal cell carcinoma. Review status: no classification provided. Collection method: in vitro. Allele origin: not applicable. Functional consequence: retained intron. Not counted in ClinVar's aggregate classification.

Dr. Peter K. Rogan Lab, Western University
No classification provided (evidence only). Condition: Ovarian cancer. Review status: no classification provided. Collection method: in vitro. Allele origin: not applicable. Functional consequence: retained intron. Not counted in ClinVar's aggregate classification.

NM_001145678.3(KIAA0825):c.3620-8A>G

Gene: KIAA0825 (KIAA0825; minus strand). Cytogenetic location: 5q15.
Variant type: single nucleotide variant.
Coding change: c.3620-8A>G on transcript NM_001145678.3 (MANE Select); 8 bases into the intron before coding-DNA position 3620, A replaced by G.
Molecular consequence: intron variant.
Genome position (GRCh38, 1-based): chr5:94,384,466, T>C on the plus strand (A>G on the coding strand, the complement: KIAA0825 is on the minus strand). VCF-style: chr5-94384466-T-C. GRCh37 (hg19) VCF-style: chr5-93720171-T-C.
Other names: NC_000005.9:g.93720171T>C; c.3631-4A>G (NM_001388325.1, NM_001385712.1, NM_001385713.1).
Identifiers: ClinVar variation 3038019 (VCV003038019.3), dbSNP rs62364586, ClinGen allele CA3343940.